The following is an entry in ClinVar:

NM_001267550.2(TTN):c.5889A>C (p.Lys1963Asn)

Gene: TTN (titin; minus strand). Cytogenetic location: 2q31.2.
Variant type: single nucleotide variant.
Coding change: c.5889A>C on transcript NM_001267550.2 (MANE Select); coding-DNA position 5889, A replaced by C.
Protein change: p.Lys1963Asn; replaces lysine 1963 with asparagine.
Molecular consequence: missense variant.
Genome position (GRCh38, 1-based): chr2:178,775,975, T>G on the plus strand (A>C on the coding strand, the complement: TTN is on the minus strand). VCF-style: chr2-178775975-T-G. GRCh37 (hg19) VCF-style: chr2-179640702-T-G.
Other names: c.5889A>C, p.Lys1963Asn (NM_001256850.1, NM_133378.4, NM_133379.5); c.5751A>C, p.Lys1917Asn (NM_003319.4, NM_133432.3, NM_133437.4); short protein forms K1963N, K1917N.
Identifiers: ClinVar variation 1028580 (VCV001028580.1), dbSNP rs897521028, ClinGen allele CA60977505.

ClinVar aggregate classification (germline): Uncertain significance (1 of 4 stars; one submission).

Conditions:
Early-onset myopathy with fatal cardiomyopathy (CMYO5). Also called: CONGENITAL MYOPATHY 5 WITH CARDIOMYOPATHY; Salih Myopathy. Identifiers: Orphanet 289377, MedGen C2673677, MONDO:0012714, OMIM 611705. Disease mechanism: loss of function.

Allele frequency attached by ClinVar (database versions not stated): gnomAD exomes 0.00002; TOPMed below 0.00001.
gnomAD v4.1: 7 of 1,614,182 alleles (0.00043%); highest among the groups gnomAD compares: Admixed American, 0.01%; no homozygotes.

Submission:

Baylor Genetics
Classification: Uncertain significance for Early-onset myopathy with fatal cardiomyopathy. Last evaluated: 2020-02-25. Review status: criteria provided, single submitter. Criteria: ACMG Guidelines, 2015. Collection method: clinical testing. Allele origin: unknown. Affected: yes.
Comment: This variant was determined to be of uncertain significance according to ACMG Guidelines, 2015 [PMID:25741868].